The following is an entry in ClinVar:

ClinVar aggregate classification (germline): Pathogenic. Review status: criteria provided, multiple submitters, no conflicts (2 of 4 stars). 8 submissions from 8 submitters: Pathogenic (8). Last evaluated 2025-02-20.

Conditions:
Inborn genetic diseases. Identifiers: MedGen C0950123, MeSH D030342.
Mucopolysaccharidosis, MPS-IV-A (MPS4A). Also called: Morquio syndrome A, mild; MORQUIO SYNDROME A; Mucopolysaccharidosis Type IVA; MPS IVA; Mucopolysaccharidosis type IV A; mucopolysaccharidosis type 4A. Identifiers: Orphanet 309297, Orphanet 582, MedGen C0086651, MONDO:0009659, OMIM 253000.
Morquio syndrome. Also called: Mucopolysaccharidosis, Type IV; MPS IV; Mucopolysaccharidosis type 4; Eccentrochondrodysplasia. Identifiers: Orphanet 582, MedGen C0026707, MONDO:0018938.

Allele frequency attached by ClinVar (database versions not stated): ExAC 0.00004; gnomAD 0.00001; TOPMed 0.00001.
gnomAD v4.1: 5 of 1,613,754 alleles (0.00031%); highest among the groups gnomAD compares: East Asian, 0.011%; no homozygotes.

Submissions (8):

Labcorp Genetics (formerly Invitae), Labcorp
Classification: Pathogenic for Mucopolysaccharidosis, MPS-IV-A. Last evaluated: 2025-02-20. Review status: criteria provided, single submitter. Criteria: Invitae Variant Classification Sherloc (09022015). Collection method: clinical testing. Allele origin: germline.
Comment: This sequence change replaces methionine, which is neutral and non-polar, with arginine, which is basic and polar, at codon 318 of the GALNS protein (p.Met318Arg). This variant is present in population databases (rs746756997, gnomAD 0.04%). This missense change has been observed in individual(s) with mucopolysaccharidosis type IVA (PMID: 23876334, 24035930, 30458289). ClinVar contains an entry for this variant (Variation ID: 199031). Invitae Evidence Modeling of protein sequence and biophysical properties (such as structural, functional, and spatial information, amino acid conservation, physicochemical variation, residue mobility, and thermodynamic stability) indicates that this missense variant is expected to disrupt GALNS protein function with a positive predictive value of 95%. For these reasons, this variant has been classified as Pathogenic.

Fulgent Genetics
Classification: Pathogenic for Mucopolysaccharidosis, MPS-IV-A. Last evaluated: 2024-03-22. Review status: criteria provided, single submitter. Criteria: ACMG Guidelines, 2015. Collection method: clinical testing. Allele origin: germline.

Genome-Nilou Lab
Classification: Pathogenic for Mucopolysaccharidosis, MPS-IV-A. Last evaluated: 2021-11-07. Review status: criteria provided, single submitter. Criteria: ACMG Guidelines, 2015. Collection method: clinical testing. Allele origin: germline. Affected: no.

Laboratory of Diagnosis and Therapy of Lysosomal Disorders, University of Padova
Classification: Pathogenic for Mucopolysaccharidosis, MPS-IV-A. Last evaluated: 2021-02-01. Review status: criteria provided, single submitter. Criteria: ACMG Guidelines, 2015. Collection method: research. Allele origin: germline. Affected: yes.
Comment: In vitro and in vivo functional studies supportive of a damaging effect on the gene product (low to null enzymatic activity in homozygotes; low to null in vitro enzymatic activity; PS3_strong); the prevalence of the variant in affected individuals is significantly increased compared with the prevalence in controls (PS4_strong); very low frequency in gnomAD v2.1.1 (PM2_moderate); multiple lines of computational evidence support a deleterious effect on the gene (PP3_supporting)

Women's Health and Genetics/Laboratory Corporation of America, LabCorp
Classification: Pathogenic for Morquio syndrome. Last evaluated: 2019-05-10. Review status: criteria provided, single submitter. Criteria: LabCorp Variant Classification Summary - May 2015. Collection method: clinical testing. Allele origin: germline.
Comment: Variant summary: GALNS c.953T>G (p.Met318Arg) results in a non-conservative amino acid change located in the Sulfatase, N-terminal domain of the encoded protein sequence. Five of five in-silico tools predict a damaging effect of the variant on protein function. The variant allele was found at a frequency of 2e-05 in 250646 control chromosomes (gnomAD). The variant, c.953T>G, has been reported in the literature in multiple individuals affected with Mucopolysaccharidosis Type IVA (Morquio Syndrome A) (Ogawa_1995, Morrone_2014, Xie_2019). These data indicate that the variant is very likely to be associated with disease. One publication, Ogawa_1995, showed that transfected GALNS activity of this variant was <10% of normal activity. A ClinVar submission from a clinical diagnostic laboratory (evaluation after 2014) cites the variant as uncertain significance. Based on the evidence outlined above, the variant was classified as pathogenic.

Ambry Genetics
Classification: Pathogenic for Inborn genetic diseases. Last evaluated: 2017-08-31. Review status: criteria provided, single submitter. Criteria: Ambry exome assertion method (8-5-2015). Collection method: clinical testing. Allele origin: germline. Affected: yes. Observed: 1 variant allele.

Eurofins Ntd Llc (ga)
Classification: Pathogenic. Last evaluated: 2014-10-10. Review status: criteria provided, single submitter. Criteria: EGL Classification Definitions 2015. Collection method: clinical testing. Allele origin: germline. Observed: 1 variant allele, 1 heterozygote.

Juno Genomics, Hangzhou Juno Genomics, Inc
Classification: Pathogenic for Mucopolysaccharidosis, MPS-IV-A. Review status: criteria provided, single submitter. Criteria: ACMG Guidelines, 2015. Collection method: clinical testing. Allele origin: germline. Affected: yes.
Comment: Absent from controls (or at extremely low frequency if recessive) in Genome Aggregation Database, Exome Sequencing Project, 1000 Genomes Project, or Exome Aggregation Consortium.;Multiple lines of computational evidence support a deleterious effect on the gene or gene product (conservation, evolutionary, splicing impact, etc).;For recessive disorders, detected in trans with a pathogenic variant.;Patient's phenotype or family history is highly specific for a disease with a single genetic etiology.

Literature cited by the submitters: PubMed 23876334 (cited by Labcorp Genetics (formerly Invitae), Labcorp and Laboratory of Diagnosis and Therapy of Lysosomal Disorders, University of Padova); PubMed 24035930 (cited by Labcorp Genetics (formerly Invitae), Labcorp and Laboratory of Diagnosis and Therapy of Lysosomal Disorders, University of Padova); PubMed 30458289 (cited by 3 submitters); PubMed 11524742 (cited by Laboratory of Diagnosis and Therapy of Lysosomal Disorders, University of Padova); PubMed 20574428 (cited by Laboratory of Diagnosis and Therapy of Lysosomal Disorders, University of Padova); PubMed 24120057 (cited by 3 submitters); PubMed 24726177 (cited by Laboratory of Diagnosis and Therapy of Lysosomal Disorders, University of Padova); PubMed 31200731 (cited by Laboratory of Diagnosis and Therapy of Lysosomal Disorders, University of Padova); PubMed 32014045 (cited by Laboratory of Diagnosis and Therapy of Lysosomal Disorders, University of Padova); PubMed 7795586 (cited by 4 submitters); PubMed 34387910 (cited by Laboratory of Diagnosis and Therapy of Lysosomal Disorders, University of Padova); PubMed 25137622 (cited by Women's Health and Genetics/Laboratory Corporation of America, LabCorp); PubMed 25545067 (cited by Ambry Genetics); PubMed 22976768 (cited by Ambry Genetics); PubMed 25252036 (cited by Ambry Genetics); PubMed 16287098 (cited by Eurofins Ntd Llc (ga)).

NM_000512.5(GALNS):c.953T>G (p.Met318Arg)

Gene: GALNS (galactosamine (N-acetyl)-6-sulfatase; minus strand). Cytogenetic location: 16q24.3.
Variant type: single nucleotide variant.
Coding change: c.953T>G on transcript NM_000512.5 (MANE Select); coding-DNA position 953, T replaced by G.
Protein change: p.Met318Arg; replaces methionine 318 with arginine.
Molecular consequence: missense variant.
Genome position (GRCh38, 1-based): chr16:88,832,047, A>C on the plus strand (T>G on the coding strand, the complement: GALNS is on the minus strand). VCF-style: chr16-88832047-A-C. GRCh37 (hg19) VCF-style: chr16-88898455-A-C.
Other names: c.398T>G, p.Met133Arg (NM_001323543.2); c.971T>G, p.Met324Arg (NM_001323544.2); short protein forms M318R, M133R, M324R.
Identifiers: ClinVar variation 199031 (VCV000199031.23), dbSNP rs746756997, ClinGen allele CA275446.
Genomic context (GRCh38, chr16:88,832,047, plus strand): 5'-CGCTGACTCACCTGGCCTGCAGTGACGTGCCCTGGCCACCATGCGAGGGCAGGCTCCCTC[A>C]TCCCTCCTTCAAACGTGGTCTGCTTCCCACACAGAAAGGGGCCGTTGCTGCCACCTGGGA-3'
Protein context (NP_000503.1, residues 308-328): CGKQTTFEGG[Met318Arg]REPALAWWPG